The following is an entry in ClinVar:

ClinVar aggregate classification (germline): Uncertain significance. Review status: criteria provided, multiple submitters, no conflicts (2 of 4 stars). 3 submissions from 3 submitters: Uncertain significance (3). Last evaluated 2023-04-11.

Conditions:
Developmental and epileptic encephalopathy, 18 (DEE18). Also called: Early infantile epileptic encephalopathy 18. Identifiers: Orphanet 369894, MedGen C3809624, MONDO:0014201, OMIM 615476.

Allele frequency attached by ClinVar (database versions not stated): TOPMed below 0.00001; ExAC 0.00001; gnomAD exomes 0.00001.

Submissions (3):

Genome-Nilou Lab
Classification: Uncertain significance for Developmental and epileptic encephalopathy, 18. Last evaluated: 2023-04-11. Review status: criteria provided, single submitter. Criteria: ACMG Guidelines, 2015. Collection method: clinical testing. Allele origin: germline. Affected: no.

Labcorp Genetics (formerly Invitae), Labcorp
Classification: Uncertain significance. Last evaluated: 2021-08-27. Review status: criteria provided, single submitter. Criteria: Invitae Variant Classification Sherloc (09022015). Collection method: clinical testing. Allele origin: germline.

GeneDx
Classification: Uncertain significance. Last evaluated: 2019-08-08. Review status: criteria provided, single submitter. Criteria: GeneDx Variant Classification Process June 2021. Collection method: clinical testing. Allele origin: germline. Affected: yes.
Comment: Not observed at a significant frequency in large population cohorts (Lek et al., 2016); In silico analysis, which includes protein predictors and evolutionary conservation, supports a deleterious effect; Has not been previously published as pathogenic or benign to our knowledge

NM_001365999.1(SZT2):c.5197C>T (p.Arg1733Cys)

Gene: SZT2 (SZT2 subunit of KICSTOR complex; plus strand). Cytogenetic location: 1p34.2.
Variant type: single nucleotide variant.
Coding change: c.5197C>T on transcript NM_001365999.1 (MANE Select); coding-DNA position 5197, C replaced by T.
Protein change: p.Arg1733Cys; replaces arginine 1733 with cysteine.
Molecular consequence: missense variant.
Genome position (GRCh38, 1-based): chr1:43,431,824, C>T. VCF-style: chr1-43431824-C-T. GRCh37 (hg19) VCF-style: chr1-43897495-C-T.
Other names: c.5026C>T, p.Arg1676Cys (NM_015284.4); short protein forms R1733C, R1676C.
Identifiers: ClinVar variation 847898 (VCV000847898.8), dbSNP rs752755119, ClinGen allele CA809512.